The following is an entry in ClinVar:

ClinVar aggregate classification (germline): Uncertain significance. Review status: criteria provided, multiple submitters, no conflicts (2 of 4 stars). 2 submissions from 2 submitters: Uncertain significance (2). Last evaluated 2023-03-22.

Conditions:
Tuberous sclerosis 1 (TSC1). Identifiers: Orphanet 805, MedGen C1854465, MONDO:0008612, OMIM 191100.

Submissions (2):

GeneDx
Classification: Uncertain significance. Last evaluated: 2023-03-22. Review status: criteria provided, single submitter. Criteria: GeneDx Variant Classification Process June 2021. Collection method: clinical testing. Allele origin: germline. Affected: yes.
Comment: Not observed at significant frequency in large population cohorts (gnomAD); In silico analysis supports that this missense variant has a deleterious effect on protein structure/function; Has not been previously published as pathogenic or benign to our knowledge

Labcorp Genetics (formerly Invitae), Labcorp
Classification: Uncertain significance for Tuberous sclerosis 1. Last evaluated: 2022-09-28. Review status: criteria provided, single submitter. Criteria: Invitae Variant Classification Sherloc (09022015). Collection method: clinical testing. Allele origin: germline.
Comment: In summary, the available evidence is currently insufficient to determine the role of this variant in disease. Therefore, it has been classified as a Variant of Uncertain Significance. Advanced modeling of protein sequence and biophysical properties (such as structural, functional, and spatial information, amino acid conservation, physicochemical variation, residue mobility, and thermodynamic stability) performed at Invitae indicates that this missense variant is not expected to disrupt TSC1 protein function. This variant has not been reported in the literature in individuals affected with TSC1-related conditions. This variant is not present in population databases (gnomAD no frequency). This sequence change replaces aspartic acid, which is acidic and polar, with glycine, which is neutral and non-polar, at codon 123 of the TSC1 protein (p.Asp123Gly).

NM_000368.5(TSC1):c.368A>G (p.Asp123Gly)

Gene: TSC1 (TSC complex subunit 1; minus strand). Cytogenetic location: 9q34.13.
Variant type: single nucleotide variant.
Coding change: c.368A>G on transcript NM_000368.5 (MANE Select); coding-DNA position 368, A replaced by G.
Protein change: p.Asp123Gly; replaces aspartic acid 123 with glycine.
Molecular consequence: missense variant.
Genome position (GRCh38, 1-based): chr9:132,923,488, T>C on the plus strand (A>G on the coding strand, the complement: TSC1 is on the minus strand). VCF-style: chr9-132923488-T-C. GRCh37 (hg19) VCF-style: chr9-135798875-T-C.
Other names: c.368A>G, p.Asp123Gly (NM_001162426.2, NM_001406592.1, NM_001406593.1 and 16 more transcripts); c.215A>G, p.Asp72Gly (NM_001162427.2, NM_001406610.1, NM_001406611.1 and 2 more transcripts); c.5A>G, p.Asp2Gly (NM_001362177.2, NM_001406614.1, NM_001406615.1 and 10 more transcripts); c.-510A>G (NM_001406626.1, NM_001406627.1, NM_001406628.1); c.-652A>G (NM_001406629.1); c.-726A>G (NM_001406630.1); short protein forms D123G, D2G, D72G.
Identifiers: ClinVar variation 1718646 (VCV001718646.6), dbSNP rs1588351019, ClinGen allele CA375373755.